The following is an entry in ClinVar:

ClinVar aggregate classification (germline): Uncertain significance (1 of 4 stars; one submission).

Allele frequency attached by ClinVar (database versions not stated): TOPMed 0.00009; gnomAD 0.00011; gnomAD exomes 0.00014; ExAC 0.00019.

Submissions (4):

Labcorp Genetics (formerly Invitae), Labcorp
Classification: Uncertain significance. Last evaluated: 2024-10-24. Review status: criteria provided, single submitter. Criteria: Invitae Variant Classification Sherloc (09022015). Collection method: clinical testing. Allele origin: germline.
Comment: This sequence change replaces methionine, which is neutral and non-polar, with valine, which is neutral and non-polar, at codon 103 of the TXN2 protein (p.Met103Val). This variant is present in population databases (rs201787436, gnomAD 0.04%). This variant has not been reported in the literature in individuals affected with TXN2-related conditions. ClinVar contains an entry for this variant (Variation ID: 1899123). An algorithm developed to predict the effect of missense changes on protein structure and function outputs the following: PolyPhen-2: "Benign". The valine amino acid residue is found in multiple mammalian species, which suggests that this missense change does not adversely affect protein function. In summary, the available evidence is currently insufficient to determine the role of this variant in disease. Therefore, it has been classified as a Variant of Uncertain Significance.

Dr. Peter K. Rogan Lab, Western University
No classification provided (evidence only). Condition: Malignant tumor of urinary bladder. Review status: no classification provided. Collection method: in vitro. Allele origin: not applicable. Functional consequence: skipped exon. Not counted in ClinVar's aggregate classification.

Dr. Peter K. Rogan Lab, Western University
No classification provided (evidence only). Condition: Lung cancer. Review status: no classification provided. Collection method: in vitro. Allele origin: not applicable. Functional consequence: skipped exon, retained intron. Not counted in ClinVar's aggregate classification.

Dr. Peter K. Rogan Lab, Western University
No classification provided (evidence only). Condition: Melanoma. Review status: no classification provided. Collection method: in vitro. Allele origin: not applicable. Functional consequence: skipped exon. Not counted in ClinVar's aggregate classification.

NM_012473.4(TXN2):c.307A>G (p.Met103Val)

Gene: TXN2 (thioredoxin 2; minus strand). Cytogenetic location: 22q12.3.
Variant type: single nucleotide variant.
Coding change: c.307A>G on transcript NM_012473.4 (MANE Select); coding-DNA position 307, A replaced by G.
Protein change: p.Met103Val; replaces methionine 103 with valine.
Molecular consequence: missense variant.
Genome position (GRCh38, 1-based): chr22:36,476,813, T>C on the plus strand (A>G on the coding strand, the complement: TXN2 is on the minus strand). VCF-style: chr22-36476813-T-C. GRCh37 (hg19) VCF-style: chr22-36872860-T-C.
Other names: short protein forms M103V.
Identifiers: ClinVar variation 1899123 (VCV001899123.6), dbSNP rs201787436, ClinGen allele CA10210844.